The following is an entry in ClinVar:

ClinVar aggregate classification (germline): Uncertain significance. Review status: criteria provided, multiple submitters, no conflicts (2 of 4 stars). 2 submissions from 2 submitters: Uncertain significance (2). Last evaluated 2024-09-06.

Allele frequency attached by ClinVar (database versions not stated): gnomAD exomes 0.00001.
gnomAD v4.1: 10 of 1,613,962 alleles (0.00062%); highest among the groups gnomAD compares: Middle Eastern, 0.016%; no homozygotes.

Submissions (2):

Women's Health and Genetics/Laboratory Corporation of America, LabCorp
Classification: Uncertain significance. Last evaluated: 2024-09-06. Review status: criteria provided, single submitter. Criteria: LabCorp Variant Classification Summary - May 2015. Collection method: clinical testing. Allele origin: germline.
Comment: Variant summary: ADAMTSL4 c.1774G>A (p.Gly592Ser) results in a non-conservative amino acid change located in the ADAMTS/ADAMTS-like, Spacer 1 domain (IPR010294) of the encoded protein sequence. Three of five in-silico tools predict a damaging effect of the variant on protein function. The variant allele was found at a frequency of 8e-06 in 250706 control chromosomes. The available data on variant occurrences in the general population are insufficient to allow any conclusion about variant significance. c.1774G>A has been reported in the literature in trans with a pathogenic variant in at least 1 individual affected with ADAMTSL4-Related Disorders (example, Neuhann_2015). These data do not allow any conclusion about variant significance. To our knowledge, no experimental evidence demonstrating an impact on protein function has been reported. The following publication has been ascertained in the context of this evaluation (PMID: 25975359). ClinVar contains an entry for this variant (Variation ID: 1403030). Based on the evidence outlined above, the variant was classified as uncertain significance.

Labcorp Genetics (formerly Invitae), Labcorp
Classification: Uncertain significance. Last evaluated: 2024-01-22. Review status: criteria provided, single submitter. Criteria: Invitae Variant Classification Sherloc (09022015). Collection method: clinical testing. Allele origin: germline.
Comment: This sequence change replaces glycine, which is neutral and non-polar, with serine, which is neutral and polar, at codon 592 of the ADAMTSL4 protein (p.Gly592Ser). This variant is not present in population databases (gnomAD no frequency). This missense change has been observed in individual(s) with ectopia lentis (PMID: 25975359). In at least one individual the data is consistent with being in trans (on the opposite chromosome) from a pathogenic variant. ClinVar contains an entry for this variant (Variation ID: 1403030). Advanced modeling of protein sequence and biophysical properties (such as structural, functional, and spatial information, amino acid conservation, physicochemical variation, residue mobility, and thermodynamic stability) performed at Invitae indicates that this missense variant is expected to disrupt ADAMTSL4 protein function with a positive predictive value of 80%. In summary, the available evidence is currently insufficient to determine the role of this variant in disease. Therefore, it has been classified as a Variant of Uncertain Significance.

Literature cited by the submitters: PubMed 25975359 (cited by Women's Health and Genetics/Laboratory Corporation of America, LabCorp and Labcorp Genetics (formerly Invitae), Labcorp).

NM_019032.6(ADAMTSL4):c.1774G>A (p.Gly592Ser)

Genes: ADAMTSL4 (ADAMTS like 4; plus strand), ADAMTSL4-AS2 (ADAMTSL4 antisense RNA 2; minus strand). Cytogenetic location: 1q21.2.
Variant type: single nucleotide variant.
Coding change: c.1774G>A on transcript NM_019032.6 (MANE Select); coding-DNA position 1774, G replaced by A.
Protein change: p.Gly592Ser; replaces glycine 592 with serine.
Molecular consequence: missense variant.
Genome position (GRCh38, 1-based): chr1:150,556,963, G>A. VCF-style: chr1-150556963-G-A. GRCh37 (hg19) VCF-style: chr1-150529439-G-A.
Other names: c.1843G>A, p.Gly615Ser (NM_001288607.2, NM_001288608.2); c.1774G>A, p.Gly592Ser (NM_001378596.1, NM_025008.5); short protein forms G615S, G592S.
Identifiers: ClinVar variation 1403030 (VCV001403030.5), dbSNP rs1001450254, ClinGen allele CA30071075.